The following is an entry in ClinVar:

NM_007294.4(BRCA1):c.80+2497T>G

Gene: BRCA1 (BRCA1 DNA repair associated; minus strand). Cytogenetic location: 17q21.31.
Variant type: single nucleotide variant.
Coding change: c.80+2497T>G on transcript NM_007294.4 (MANE Select); 2497 bases into the intron after coding-DNA position 80, T replaced by G.
Molecular consequence: intron variant.
Genome position (GRCh38, 1-based): chr17:43,121,520, A>C on the plus strand (T>G on the coding strand, the complement: BRCA1 is on the minus strand). VCF-style: chr17-43121520-A-C. GRCh37 (hg19) VCF-style: chr17-41273537-A-C.
Other names: IVS 2+2497T>G; c.-61-5741T>G (NM_001408458.1); c.-219+3757T>G (NM_001407967.1); c.-170+3757T>G (NM_001407959.1); c.-8+3757T>G (NM_001407931.1, NM_001407747.1); c.-224+3757T>G (NM_001407962.1, NM_001408512.1, NM_001408510.1); c.-109+3757T>G (NM_001407885.1); c.-62+3757T>G (NM_001408470.1, NM_001407848.1, NM_001407839.1 and 6 more transcripts); and 23 more.
Identifiers: ClinVar variation 209564 (VCV000209564.2), dbSNP rs36086436, ClinGen allele CA276533.

ClinVar aggregate classification (germline): Benign (3 of 4 stars; one submission).

Conditions:
Breast-ovarian cancer, familial, susceptibility to, 1 (BROVCA1). Also called: BRCA1 Hereditary Breast and Ovarian Cancer; OVARIAN CANCER, SUSCEPTIBILITY TO. Identifiers: Orphanet 145, MedGen C2676676, MONDO:0011450, OMIM 604370. Disease mechanism: loss of function.

Allele frequency attached by ClinVar (database versions not stated): TOPMed 0.30203; gnomAD 0.30837 and 0.31584; 1000 Genomes Project 30x 0.34744; 1000 Genomes Project 0.35304.
gnomAD v4.1: 47,883 of 151,554 alleles (32%); highest among the groups gnomAD compares: South Asian, 49%; 7,901 homozygotes.

Submission:

Evidence-based Network for the Interpretation of Germline Mutant Alleles (ENIGMA)
Classification: Benign for Breast-ovarian cancer, familial 1. Last evaluated: 2015-01-12. Review status: reviewed by expert panel. Criteria: ENIGMA BRCA1/2 Classification Criteria (2015). Collection method: curation. Allele origin: germline.
Comment: Class 1 not pathogenic based on frequency >1% in an outbred sampleset. Frequency 0.3287 (Asian), 0.2175 (African), 0.3562 (European), derived from 1000 genomes (2012-04-30).